The following is an entry in ClinVar:

ClinVar aggregate classification (germline): Likely benign (1 of 4 stars; one submission).

Allele frequency attached by ClinVar (database versions not stated): gnomAD 0.00003; gnomAD exomes 0.00005; ExAC 0.00007; TOPMed 0.00007.
gnomAD v4.1: 73 of 1,549,822 alleles (0.0047%); highest among the groups gnomAD compares: Admixed American, 0.02%; 1 homozygote.

Submission:

CeGaT Center for Human Genetics Tuebingen
Classification: Likely benign. Last evaluated: 2022-11-01. Review status: criteria provided, single submitter. Criteria: CeGaT Center For Human Genetics Tuebingen Variant Classification Criteria Version 2. Collection method: clinical testing. Allele origin: germline. Affected: yes. Observed: 1 variant allele.
Comment: MROH2A: BP4, BP7

NM_001394639.1(MROH2A):c.927G>A (p.Ala309=)

Gene: MROH2A (maestro heat like repeat family member 2A; plus strand). Cytogenetic location: 2q37.1.
Variant type: single nucleotide variant.
Coding change: c.927G>A on transcript NM_001394639.1 (MANE Select); coding-DNA position 927, G replaced by A.
Protein change: p.Ala309=; no amino-acid change (alanine 309 retained).
Molecular consequence: synonymous variant.
Genome position (GRCh38, 1-based): chr2:233,794,467, G>A. VCF-style: chr2-233794467-G-A. GRCh37 (hg19) VCF-style: chr2-234703113-G-A.
Other names: c.927G>A, p.Ala309= (NM_001367507.1).
Identifiers: ClinVar variation 2652025 (VCV002652025.24), dbSNP rs780041926, ClinGen allele CA2180307.
Genomic context (GRCh38, chr2:233,794,467, plus strand): 5'-CCTTCTGCCCAACGATGACCTGCGGGAGCAGGTCTACGACTACATCCCCCTGCTGCTGGC[G>A]GAGTACCAGGGCAGTCTGGAGGTGCTCTTCGTCACGCAGGCGAGTGGCCAGGCAGCCACG-3'
Protein context (NP_001381568.1, residues 299-319): QVYDYIPLLL[Ala309=]EYQGSLEVLF